The following is an entry in ClinVar:

NM_001999.4(FBN2):c.2522A>G (p.Tyr841Cys)

Gene: FBN2 (fibrillin 2; minus strand). Cytogenetic location: 5q23.3.
Variant type: single nucleotide variant.
Coding change: c.2522A>G on transcript NM_001999.4 (MANE Select); coding-DNA position 2522, A replaced by G.
Protein change: p.Tyr841Cys; replaces tyrosine 841 with cysteine.
Molecular consequence: missense variant.
Genome position (GRCh38, 1-based): chr5:128,361,755, T>C on the plus strand (A>G on the coding strand, the complement: FBN2 is on the minus strand). VCF-style: chr5-128361755-T-C. GRCh37 (hg19) VCF-style: chr5-127697448-T-C.
Other names: short protein forms Y841C.
Identifiers: ClinVar variation 424465 (VCV000424465.11), dbSNP rs762606715, ClinGen allele CA3395525.

ClinVar aggregate classification (germline): Uncertain significance. Review status: criteria provided, multiple submitters, no conflicts (2 of 4 stars). 2 submissions from 2 submitters: Uncertain significance (2). Last evaluated 2025-11-28.

Conditions:
Congenital contractural arachnodactyly (CCA). Also called: Arthrogryposis, distal, type 9; BEALS SYNDROME; Beals-Hecht syndrome. Identifiers: Orphanet 115, MedGen C0220668, MONDO:0007363, OMIM 121050.

Allele frequency attached by ClinVar (database versions not stated): TOPMed below 0.00001; gnomAD 0.00001.
gnomAD v4.1: 11 of 1,614,024 alleles (0.00068%); highest among the groups gnomAD compares: South Asian, 0.0011%; no homozygotes.

Submissions (2):

Labcorp Genetics (formerly Invitae), Labcorp
Classification: Uncertain significance for Congenital contractural arachnodactyly. Last evaluated: 2025-11-28. Review status: criteria provided, single submitter. Criteria: Invitae Variant Classification Sherloc (09022015). Collection method: clinical testing. Allele origin: germline.
Comment: This sequence change replaces tyrosine, which is neutral and polar, with cysteine, which is neutral and slightly polar, at codon 841 of the FBN2 protein (p.Tyr841Cys). This variant is present in population databases (rs762606715, gnomAD 0.002%). This variant has not been reported in the literature in individuals affected with FBN2-related conditions. ClinVar contains an entry for this variant (Variation ID: 424465). Invitae Evidence Modeling of protein sequence and biophysical properties (such as structural, functional, and spatial information, amino acid conservation, physicochemical variation, residue mobility, and thermodynamic stability) has been performed for this missense variant. However, the output from this modeling did not meet the statistical confidence thresholds required to predict the impact of this variant on FBN2 protein function. In summary, the available evidence is currently insufficient to determine the role of this variant in disease. Therefore, it has been classified as a Variant of Uncertain Significance.

GeneDx
Classification: Uncertain significance. Last evaluated: 2017-03-20. Review status: criteria provided, single submitter. Criteria: GeneDx Variant Classification (06012015). Collection method: clinical testing. Allele origin: germline. Affected: yes.
Comment: A variant of uncertain significance has been identified in the FBN2 gene. The Y841C variant has not been published as pathogenic or been reported as benign to our knowledge. Additionally, this variant is not observed at a significant frequency in large population cohorts (Lek et al., 2016; 1000 Genomes Consortium et al., 2015; Exome Variant Server). The Y841C variant is a non-conservative amino acid substitution, which is likely to impact secondary protein structure as these residues differ in polarity, charge, size and/or other properties. Furthermore, this substitution occurs at a position that is conserved in mammals and in silico analysis predicts this variant is probably damaging to the protein structure/function. Moreover, the Y841C variant introduces a Cysteine residue within a calcium-binding EGF-like domain of the FBN2 gene, which may affect disulfide bonding and is predicted to alter the structure and function of the protein. Cysteine substitutions in the calcium-binding EGF-like domains represent the majority of pathogenic missense changes associated with FBN2-related disorders (Frederic et al., 2009). Nevertheless, this variant has not been observed in a significant number of affected individuals and it lacks both segregation and functional studies which would further clarify its pathogenicity.